The following is an entry in ClinVar:

ClinVar aggregate classification (germline): Uncertain significance. Review status: criteria provided, multiple submitters, no conflicts (2 of 4 stars). 2 submissions from 2 submitters: Uncertain significance (2). Last evaluated 2025-09-27.

Conditions:
Hereditary cancer-predisposing syndrome. Also called: Neoplastic Syndromes, Hereditary; Tumor predisposition; Hereditary neoplastic syndrome; Hereditary Cancer Syndrome. Identifiers: Orphanet 140162, MedGen C0027672, MeSH D009386, MONDO:0015356.

Allele frequency attached by ClinVar (database versions not stated): TOPMed below 0.00001; gnomAD 0.00001.
gnomAD v4.1: 1 of 1,613,642 alleles (0.000062%); highest among the groups gnomAD compares: Admixed American, 0.0017%; no homozygotes.

Submissions (2):

Labcorp Genetics (formerly Invitae), Labcorp
Classification: Uncertain significance. Last evaluated: 2025-09-27. Review status: criteria provided, single submitter. Criteria: Invitae Variant Classification Sherloc (09022015). Collection method: clinical testing. Allele origin: germline.
Comment: This sequence change replaces alanine, which is neutral and non-polar, with valine, which is neutral and non-polar, at codon 838 of the MSH3 protein (p.Ala838Val). This variant is not present in population databases (gnomAD no frequency). This variant has not been reported in the literature in individuals affected with MSH3-related conditions. ClinVar contains an entry for this variant (Variation ID: 837702). An algorithm developed to predict the effect of missense changes on protein structure and function (PolyPhen-2) suggests that this variant is likely to be disruptive. In summary, the available evidence is currently insufficient to determine the role of this variant in disease. Therefore, it has been classified as a Variant of Uncertain Significance.

Ambry Genetics
Classification: Uncertain significance for Hereditary cancer-predisposing syndrome. Last evaluated: 2025-07-22. Review status: criteria provided, single submitter. Criteria: Ambry Variant Classification Scheme 2023. Collection method: clinical testing. Allele origin: germline.
Comment: The p.A838V variant (also known as c.2513C>T), located in coding exon 18 of the MSH3 gene, results from a C to T substitution at nucleotide position 2513. The alanine at codon 838 is replaced by valine, an amino acid with similar properties. This amino acid position is well conserved in available vertebrate species. In addition, this alteration is predicted to be deleterious by in silico analysis. Since supporting evidence is limited at this time, the clinical significance of this alteration remains unclear.

NM_002439.5(MSH3):c.2513C>T (p.Ala838Val)

Gene: MSH3 (mutS homolog 3; plus strand). Cytogenetic location: 5q14.1.
Variant type: single nucleotide variant.
Coding change: c.2513C>T on transcript NM_002439.5 (MANE Select); coding-DNA position 2513, C replaced by T.
Protein change: p.Ala838Val; replaces alanine 838 with valine.
Molecular consequence: missense variant.
Genome position (GRCh38, 1-based): chr5:80,787,642, C>T. VCF-style: chr5-80787642-C-T. GRCh37 (hg19) VCF-style: chr5-80083461-C-T.
Other names: c.2513C>T (NM_002439.3); short protein forms A838V.
Identifiers: ClinVar variation 837702 (VCV000837702.13), dbSNP rs1744532877, ClinGen allele CA360283358.
Genomic context (GRCh38, chr5:80,787,642, plus strand): 5'-ATCACTCCTTGTGTAAAGCAGTGCATCACCTAGCAACTGTTGACTGCATTTTCTCCCTGG[C>T]CAAGGTCGCTAAGCAAGGAGATTACTGCAGGTAAGATATTTTTCATTTTCCTCTTTATCA-3'
Protein context (NP_002430.3, residues 828-848): LATVDCIFSL[Ala838Val]KVAKQGDYCR